The following is an entry in ClinVar:

ClinVar aggregate classification (germline): Likely benign (1 of 4 stars; one submission).

Submission:

CeGaT Center for Human Genetics Tuebingen
Classification: Likely benign. Last evaluated: 2022-03-01. Review status: criteria provided, single submitter. Criteria: CeGaT Center For Human Genetics Tuebingen Variant Classification Criteria Version 2. Collection method: clinical testing. Allele origin: germline. Affected: yes. Observed: 1 variant allele.
Comment: NDUFB11: PM2:Supporting, BP4, BP7

NM_001135998.3(NDUFB11):c.282C>G (p.Gly94=)

Gene: NDUFB11 (NADH:ubiquinone oxidoreductase subunit B11; minus strand). Cytogenetic location: Xp11.3.
Variant type: single nucleotide variant.
Coding change: c.282C>G on transcript NM_001135998.3 (MANE Select); coding-DNA position 282, C replaced by G.
Protein change: p.Gly94=; no amino-acid change (glycine 94 retained).
Molecular consequence: synonymous variant.
Genome position (GRCh38, 1-based): chrX:47,142,670, G>C on the plus strand (C>G on the coding strand, the complement: NDUFB11 is on the minus strand). VCF-style: chrX-47142670-G-C. GRCh37 (hg19) VCF-style: chrX-47002069-G-C.
Other names: c.282C>G, p.Gly94= (NM_019056.7).
Identifiers: ClinVar variation 2660395 (VCV002660395.24), dbSNP rs782242022, ClinGen allele CA516350235.
Genomic context (GRCh38, chrX:47,142,670, plus strand): 5'-GCACCTGTAGTCAGGCAGATAGGCCACAAAGGTGCTGCCAAGGACCAGGATGATGGAGAC[G>C]CCAAAGAAGAAGACAAGTCGCATGTTCCAGACGTCCAAAACGGGGTCCTTGTCATAACCA-3'
Protein context (NP_001129470.1, residues 84-104): VWNMRLVFFF[Gly94=]VSIILVLGST